The following is an entry in ClinVar:

NM_001395159.1(UNC79):c.7445C>T (p.Ser2482Phe)

Gene: UNC79 (unc-79 subunit of NALCN channel complex; plus strand). Cytogenetic location: 14q32.12.
Variant type: single nucleotide variant.
Coding change: c.7445C>T on transcript NM_001395159.1 (MANE Select); coding-DNA position 7445, C replaced by T.
Protein change: p.Ser2482Phe; replaces serine 2482 with phenylalanine.
Molecular consequence: missense variant.
Genome position (GRCh38, 1-based): chr14:93,690,143, C>T. VCF-style: chr14-93690143-C-T. GRCh37 (hg19) VCF-style: chr14-94156489-C-T.
Other names: c.7379C>T, p.Ser2460Phe (NM_001346218.2); c.6698C>T, p.Ser2233Phe (NM_020818.5); short protein forms S2233F, S2460F, S2482F.
Identifiers: ClinVar variation 4690180 (VCV004690180.1).

ClinVar aggregate classification (germline): Uncertain significance (1 of 4 stars; one submission).

Submission:

GeneDx
Classification: Uncertain significance. Last evaluated: 2025-08-01. Review status: criteria provided, single submitter. Criteria: GeneDx Variant Classification Process June 2021. Collection method: clinical testing. Allele origin: germline. Affected: yes.
Comment: Not observed at significant frequency in large population cohorts (gnomAD); In silico analysis supports that this missense variant has a deleterious effect on protein structure/function; Has not been previously published as pathogenic or benign to our knowledge